The following is an entry in ClinVar:

ClinVar aggregate classification (germline): Uncertain significance. Review status: criteria provided, multiple submitters, no conflicts (2 of 4 stars). 2 submissions from 2 submitters: Uncertain significance (2). Last evaluated 2025-11-25.

Conditions:
Hereditary pheochromocytoma and paraganglioma. Also called: Hereditary pheochromocytoma-paraganglioma; Hereditary Paraganglioma-Pheochromocytoma Syndromes; Hereditary paragangliomas and pheochromocytomas. Identifiers: Orphanet 29072, MedGen C4274332, MONDO:0017366.
Hereditary cancer-predisposing syndrome. Also called: Tumor predisposition; Neoplastic Syndromes, Hereditary; Hereditary neoplastic syndrome; Hereditary Cancer Syndrome. Identifiers: Orphanet 140162, MedGen C0027672, MeSH D009386, MONDO:0015356.

Submissions (2):

Ambry Genetics
Classification: Uncertain significance for Hereditary cancer-predisposing syndrome. Last evaluated: 2025-11-25. Review status: criteria provided, single submitter. Criteria: Ambry Variant Classification Scheme 2023. Collection method: clinical testing. Allele origin: germline.
Comment: The p.I63T variant (also known as c.188T>C), located in coding exon 2 of the SDHAF2 gene, results from a T to C substitution at nucleotide position 188. The isoleucine at codon 63 is replaced by threonine, an amino acid with similar properties. This amino acid position is conserved. In addition, this alteration is predicted to be tolerated by in silico analysis. Based on the available evidence, the clinical significance of this variant remains unclear.

Labcorp Genetics (formerly Invitae), Labcorp
Classification: Uncertain significance for Hereditary pheochromocytoma and paraganglioma. Last evaluated: 2025-05-18. Review status: criteria provided, single submitter. Criteria: Invitae Variant Classification Sherloc (09022015). Collection method: clinical testing. Allele origin: germline.
Comment: This sequence change replaces isoleucine, which is neutral and non-polar, with threonine, which is neutral and polar, at codon 63 of the SDHAF2 protein (p.Ile63Thr). This variant is not present in population databases (gnomAD no frequency). This variant has not been reported in the literature in individuals affected with SDHAF2-related conditions. An algorithm developed to predict the effect of missense changes on protein structure and function (PolyPhen-2) suggests that this variant is likely to be tolerated. In summary, the available evidence is currently insufficient to determine the role of this variant in disease. Therefore, it has been classified as a Variant of Uncertain Significance.

NM_017841.4(SDHAF2):c.188T>C (p.Ile63Thr)

Gene: SDHAF2 (succinate dehydrogenase complex assembly factor 2; plus strand). Cytogenetic location: 11q12.2.
Variant type: single nucleotide variant.
Coding change: c.188T>C on transcript NM_017841.4 (MANE Select); coding-DNA position 188, T replaced by C.
Protein change: p.Ile63Thr; replaces isoleucine 63 with threonine.
Molecular consequence: missense variant.
Genome position (GRCh38, 1-based): chr11:61,437,776, T>C. VCF-style: chr11-61437776-T-C. GRCh37 (hg19) VCF-style: chr11-61205248-T-C.
Other names: short protein forms I63T.
Identifiers: ClinVar variation 4547192 (VCV004547192.2).